The following is an entry in ClinVar:

NM_000552.5(VWF):c.4120C>T (p.Arg1374Cys)

Gene: VWF (von Willebrand factor; minus strand). Cytogenetic location: 12p13.31.
Variant type: single nucleotide variant.
Coding change: c.4120C>T on transcript NM_000552.5 (MANE Select); coding-DNA position 4120, C replaced by T.
Protein change: p.Arg1374Cys; replaces arginine 1374 with cysteine.
Molecular consequence: missense variant.
Genome position (GRCh38, 1-based): chr12:6,019,298, G>A on the plus strand (C>T on the coding strand, the complement: VWF is on the minus strand). VCF-style: chr12-6019298-G-A. GRCh37 (hg19) VCF-style: chr12-6128464-G-A.
Other names: p.R1374C; short protein forms R1374C.
Identifiers: ClinVar variation 100329 (VCV000100329.20), dbSNP rs61750071, ClinGen allele CA228539.

ClinVar aggregate classification (germline): Pathogenic. Review status: criteria provided, multiple submitters, no conflicts (2 of 4 stars). 16 submissions from 16 submitters: Pathogenic (13). 3 of the submissions do not count toward it. Last evaluated 2026-04-22.

Conditions:
von Willebrand disorder (VWD). Also called: von Willebrand's disease; Von Willebrand disease (hereditary or acquired); von Willebrand Diseases. Identifiers: MedGen C0042974, MeSH D014842, MONDO:0024574.
VWF-related disorder. Also called: VWF-related disorders; VWF-related condition.
von Willebrand disease type 2 (VWD2). Also called: VON WILLEBRAND DISEASE, TYPE 2A/IIE; VON WILLEBRAND DISEASE, TYPE 2CB; VON WILLEBRAND DISEASE, TYPE II; VWD, TYPE 2. Identifiers: Orphanet 166081, Orphanet 903, MedGen C1264040, MONDO:0013304, OMIM 613554.
Hereditary von Willebrand disease. Identifiers: Orphanet 903, MedGen C5703318, MONDO:0019565. Inheritance: Autosomal recessive or Autosomal dominant.

Allele frequency attached by ClinVar (database versions not stated): gnomAD exomes below 0.00001; ExAC 0.00001; gnomAD 0.00001.
gnomAD v4.1: 5 of 1,613,796 alleles (0.00031%); highest among the groups gnomAD compares: African/African-American, 0.0013%; no homozygotes.

Submissions 1 to 8 of 16:

PreventionGenetics, part of Exact Sciences
Classification: Pathogenic for VWF-related condition. Last evaluated: 2026-04-22. Review status: criteria provided, single submitter. Criteria: ACMG Guidelines, 2015. Collection method: clinical testing. Allele origin: germline.
Comment: The VWF c.4120C>T variant is predicted to result in the amino acid substitution p.Arg1374Cys. This variant has been reported in the heterozygous state in many individuals with von Willebrand disease (VWD) type 2A or 2M and segregated with disease in multiple families (see, for example: referred to as R116C, Hilbert et al. 1995. PubMed ID: 7620154; Penas et al. 2005. PubMed ID: 16247740; Doruelo et al. 2017. PubMed ID: 28544236). It has also been reported in the homozygous state or with a second VWF variant in a smaller number of individuals (Woods et al. 2011. PubMed ID: 22102201; Goodeve et al. 2006. PubMed ID: 16985174). It has been reported as a common variant in some populations, including the Spanish and Old Order Amish populations (Penas et al. 2005. PubMed ID: 16247740; Gupta et al. 2016. PubMed ID: 27414491). In vitro experimental studies indicate this variant affects protein function (Hilbert et al. 1995. PubMed ID: 7620154; Doruelo et al. 2017. PubMed ID: 28544236). Other missense variants affecting the same amino acid (p.Arg1374His, p.Arg1374Leu, p.Arg1374Ser) have also been reported in individuals with VWD (Supplemental Table 2, Maas et al. 2021. PubMed ID: 34758185;Liang et al. 2017. PubMed ID: 28536718). This variant is reported in 0.00088% of alleles in individuals of European (non-Finnish) descent in gnomAD. This variant is interpreted as pathogenic.

North West Genomic Laboratory Hub, Manchester University NHS Foundation Trust
Classification: Pathogenic for von Willebrand disease. Last evaluated: 2026-02-04. Review status: criteria provided, single submitter. Criteria: ACGS Best Practice Guidelines for Variant Classification in Rare Disease 2024. Collection method: clinical testing. Allele origin: germline. Affected: yes.
Comment: PS4_Str PS3_Supp PP4_Mod PP3_Supp PP1_Str PM5_Mod

Mayo Clinic Laboratories, Mayo Clinic
Classification: Pathogenic. Last evaluated: 2025-10-16. Review status: criteria provided, single submitter. Criteria: ACMG Guidelines, 2015. Collection method: clinical testing. Allele origin: germline. Observed: 9 variant alleles.
Comment: PP1_strong, PP3, PM2_supporting, PM5, PS3, PS4_moderate

Quest Diagnostics Nichols Institute San Juan Capistrano
Classification: Pathogenic. Last evaluated: 2025-10-14. Review status: criteria provided, single submitter. Criteria: Quest Diagnostics criteria. Collection method: clinical testing. Allele origin: unknown.
Comment: The VWF c.4120C>T (p.Arg1374Cys) variant (also known as R611C) has been reported in multiple individuals with type 1, type 2A, or type 2M von Willebrand disease (vWD) (PMIDs: 39002731 (2024), 34758185 (2022), 33556167 (2021), 30817071 (2019), 23340442 (2013), 22473027 (2013), 21534937 (2011), 19277422 (2009), 16985174 (2007), 16247740 (2005)). Various studies indicate this variant has deleterious effects on VWF synthesis/secretion, collagen/platelet binding, and high molecular-weight multimer formation (PMIDs: 38315875 (2024), 28544236 (2017), 11150026 (2001), 7620154 (1995)). The frequency of this variant in the general population (Genome Aggregation Database) is consistent with pathogenicity. Based on the available information, this variant is classified as pathogenic.

Women's Health and Genetics/Laboratory Corporation of America, LabCorp
Classification: Pathogenic for von Willebrand disorder. Last evaluated: 2025-05-27. Review status: criteria provided, single submitter. Criteria: LabCorp Variant Classification Summary - May 2015. Collection method: clinical testing. Allele origin: germline.
Comment: Variant summary: VWF c.4120C>T (p.Arg1374Cys) results in a non-conservative amino acid change in the encoded protein sequence. Algorithms developed to predict the effect of missense changes on protein structure and function all suggest that this variant is likely to be disruptive. The variant allele was found at a frequency of 4e-06 in 250960 control chromosomes. c.4120C>T has been observed in multiple heterozygous individuals affected with Von Willebrand Disease, especially those in Amish population (Hilbert_1995, Gupta_2016). A different variant affecting the same codon has been classified as likely pathogenic/pathogenic by our lab (c.4121G>A, p.Arg1374His), supporting the critical relevance of codon 1374 to VWF protein function. At least one publication reports experimental evidence evaluating an impact on protein function. The most pronounced variant effect results in <10% of normal activity (Hilbert_1995). The following publications have been ascertained in the context of this evaluation (PMID: 27414491, 7620154). ClinVar contains an entry for this variant (Variation ID: 100329). Based on the evidence outlined above, the variant was classified as pathogenic.

GeneDx
Classification: Pathogenic. Last evaluated: 2025-04-17. Review status: criteria provided, single submitter. Criteria: GeneDx Variant Classification Process June 2021. Collection method: clinical testing. Allele origin: germline.
Comment: Published functional studies demonstrate a damaging effect of this variant due to decreased secretion of von Willebrand factor, decreased collagen binding, and absent platelet glycoprotein Ib binding (PMID: 28544236, 7620154); Reported in association with von Willebrand disease types 2A and 2M (PMID: 16247740, 7620154); Not observed at significant frequency in large population cohorts (gnomAD); In silico analysis indicates that this missense variant does not alter protein structure/function; Also known as p.(R611C); This variant is associated with the following publications: (PMID: 22102201, 28544236, 16247740, 7620154, 30817071, 27414491, 23340442, 23290978, 33556167, 31064749, 34758185, 37872709, 38315875, 25185554)

Center for Genomic Medicine, Rigshospitalet, Copenhagen University Hospital
Classification: Pathogenic. Last evaluated: 2025-03-04. Review status: criteria provided, single submitter. Criteria: ACMG Guidelines, 2015. Collection method: clinical testing. Allele origin: germline.
Comment: Classification criteria: PS4_moderate, PS3, PM2_supporting, PP3_supporting, PP4_supporting

ARUP Laboratories, Molecular Genetics and Genomics, ARUP Laboratories
Classification: Pathogenic. Last evaluated: 2024-07-18. Review status: criteria provided, single submitter. Criteria: ARUP Molecular Germline Variant Investigation Process 2024. Collection method: clinical testing. Allele origin: germline.
Comment: The VWF c.4120C>T; p.Arg1374Cys variant (rs61750071), also known as R611C, is reported in the literature in several individuals affected with von Willebrand disease type 2A or type 2M (Berber 2013, Borras 2017, Flood 2013, Goodeve 2007, Hilbert 1995, Veyradier 2016). This variant is also reported in ClinVar (Variation ID: 100329), but is only observed on one allele in the Genome Aggregation Database, indicating it is not a common polymorphism. Computational analyses predict that this variant is deleterious (REVEL: 0.757). Additionally, other amino acid substitutions at this codon (His, Leu, Ser) have been reported in individuals with von Willebrand disease type 2A or type 2M and are considered pathogenic (Borras 2017, Flood 2013, Goodeve 2007, Hilbert 1995, Veyradier 2016). Based on available information, this variant is considered to be pathogenic. References: Berber E et al. A common VWF exon 28 haplotype in the Turkish population. Clin Appl Thromb Hemost. 2013 Sep;19(5):550-6. PMID: 22473027. Borras N et al. Molecular and clinical profile of von Willebrand disease in Spain (PCM-EVW-ES): comprehensive genetic analysis by next-generation sequencing of 480 patients. Haematologica. 2017 Dec;102(12):2005-2014. PMID: 28971901. Corrales I et al. Rapid molecular diagnosis of von Willebrand disease by direct sequencing. Detection of 12 novel putative mutations in VWF gene. Thromb Haemost. 2009 Mar;101(3):570-6. PMID: 19277422. Flood VH et al. Collagen binding provides a sensitive screen for variant von Willebrand disease. Clin Chem. 2013 Apr;59(4):684-91. PMID: 23340442. Goodeve A et al. Phenotype and genotype of a cohort of families historically diagnosed with type 1 von Willebrand disease in the European study, Molecular and Clinical Markers for the Diagnosis and Management of Type 1 von Willebrand Disease (MCMDM-1VWD). Blood. 2007 Jan 1;109(1):112-21. PMID: 16985174. Hilbert L et al. Identification of two mutations (Arg611Cys and Arg611His) in the A1 loop of von Willebrand factor (vWF) responsible for type 2 von Willebrand disease with decreased platelet-dependent function of vWF. Blood. 1995 Aug 1;86(3):1010-8. PMID: 7620154. Veyradier A et al. A Laboratory Phenotype/Genotype Correlation of 1167 French Patients From 670 Families With von Willebrand Disease: A New Epidemiologic Picture. Medicine (Baltimore). 2016 Mar;95(11):e3038. PMID: 26986123.